The following is an entry in ClinVar:

NM_003055.3(SLC18A3):c.1408C>T (p.Arg470Cys)

Genes: CHAT (choline O-acetyltransferase; plus strand), SLC18A3 (solute carrier family 18 member A3; plus strand). Cytogenetic location: 10q11.23.
Variant type: single nucleotide variant.
Coding change: c.1408C>T on transcript NM_003055.3 (MANE Select); coding-DNA position 1408, C replaced by T.
Protein change: p.Arg470Cys; replaces arginine 470 with cysteine.
Molecular consequence: missense variant. On other transcripts: intron variant (1).
Genome position (GRCh38, 1-based): chr10:49,612,148, C>T. VCF-style: chr10-49612148-C-T. GRCh37 (hg19) VCF-style: chr10-50820194-C-T.
Other names: c.-69+2949C>T (NM_020984.4); short protein forms R470C.
Identifiers: ClinVar variation 1934995 (VCV001934995.2), dbSNP rs1009325288, ClinGen allele CA206621525.
Genomic context (GRCh38, chr10:49,612,148, plus strand): 5'-CAGCTCAGCCTTGGCATGGGACTGGCCAACCTGCTCTATGCTCCCGTCTTGCTGCTGCTC[C>T]GCAACGTGGGCCTCCTGACGCGCTCCCGTTCCGAGCGCGATGTGCTGCTTGATGAGCCAC-3'
Protein context (NP_003046.2, residues 460-480): LLYAPVLLLL[Arg470Cys]NVGLLTRSRS

ClinVar aggregate classification (germline): Uncertain significance (1 of 4 stars; one submission).

Allele frequency attached by ClinVar (database versions not stated): TOPMed 0.00001; gnomAD exomes 0.00001; gnomAD 0.00002.
gnomAD v4.1: 8 of 1,611,524 alleles (0.0005%); highest among the groups gnomAD compares: Admixed American, 0.0067%; no homozygotes.

Submission:

Labcorp Genetics (formerly Invitae), Labcorp
Classification: Uncertain significance. Last evaluated: 2022-01-11. Review status: criteria provided, single submitter. Criteria: Invitae Variant Classification Sherloc (09022015). Collection method: clinical testing. Allele origin: germline.
Comment: This sequence change replaces arginine, which is basic and polar, with cysteine, which is neutral and slightly polar, at codon 470 of the SLC18A3 protein (p.Arg470Cys). This variant is present in population databases (no rsID available, gnomAD 0.004%). This variant has not been reported in the literature in individuals affected with SLC18A3-related conditions. Algorithms developed to predict the effect of missense changes on protein structure and function (SIFT, PolyPhen-2, Align-GVGD) all suggest that this variant is likely to be disruptive. In summary, the available evidence is currently insufficient to determine the role of this variant in disease. Therefore, it has been classified as a Variant of Uncertain Significance.